The following is an entry in ClinVar:

NM_001005242.3(PKP2):c.758G>C (p.Gly253Ala)

Gene: PKP2 (plakophilin 2; minus strand). Cytogenetic location: 12p11.21.
Variant type: single nucleotide variant.
Coding change: c.758G>C on transcript NM_001005242.3 (MANE Select); coding-DNA position 758, G replaced by C.
Protein change: p.Gly253Ala; replaces glycine 253 with alanine.
Molecular consequence: missense variant.
Genome position (GRCh38, 1-based): chr12:32,878,122, C>G on the plus strand (G>C on the coding strand, the complement: PKP2 is on the minus strand). VCF-style: chr12-32878122-C-G. GRCh37 (hg19) VCF-style: chr12-33031056-C-G.
Other names: c.758G>C, p.Gly253Ala (NM_004572.4); short protein forms G253A.
Identifiers: ClinVar variation 925301 (VCV000925301.8), dbSNP rs1396012405, ClinGen allele CA384362705.

ClinVar aggregate classification (germline): Uncertain significance. Review status: criteria provided, multiple submitters, no conflicts (2 of 4 stars). 3 submissions from 3 submitters: Uncertain significance (3). Last evaluated 2025-09-23.

Conditions:
Cardiomyopathy (CMYO). Also called: Cardiomyopathies. Identifiers: Orphanet 167848, MedGen C0878544, MONDO:0004994, HP:0001638. Inheritance: Various modes of inheritance.
Arrhythmogenic right ventricular cardiomyopathy (ARVD). Also called: Arrhythmogenic cardiomyopathy; Cardiomyopathy, ARVC; Arrhythmogenic right ventricular dysplasia; Arrhythmogenic Right Ventricular Cardiomyopathy (ARVC). Identifiers: Orphanet 247, MedGen C0349788, MeSH D019571, MONDO:0016587. Disease mechanism: loss of function. Inheritance: Various modes of inheritance.
Arrhythmogenic right ventricular dysplasia 9 (ARVD9). Also called: Arrhythmogenic Right Ventricular Dysplasia/Cardiomyopathy 9; ARRHYTHMOGENIC RIGHT VENTRICULAR DYSPLASIA, FAMILIAL, 9. Identifiers: MedGen C1836906, MONDO:0012180, OMIM 609040.

Allele frequency attached by ClinVar (database versions not stated): TOPMed below 0.00001.
gnomAD v4.1: 5 of 1,614,252 alleles (0.00031%); highest among the groups gnomAD compares: Middle Eastern, 0.033%; no homozygotes.

Submissions (3):

Labcorp Genetics (formerly Invitae), Labcorp
Classification: Uncertain significance for Arrhythmogenic right ventricular dysplasia 9. Last evaluated: 2025-09-23. Review status: criteria provided, single submitter. Criteria: Invitae Variant Classification Sherloc (09022015). Collection method: clinical testing. Allele origin: germline.
Comment: This sequence change replaces glycine, which is neutral and non-polar, with alanine, which is neutral and non-polar, at codon 253 of the PKP2 protein (p.Gly253Ala). This variant is not present in population databases (gnomAD no frequency). This variant has not been reported in the literature in individuals affected with PKP2-related conditions. ClinVar contains an entry for this variant (Variation ID: 925301). An algorithm developed to predict the effect of missense changes on protein structure and function (PolyPhen-2) suggests that this variant is likely to be tolerated. In summary, the available evidence is currently insufficient to determine the role of this variant in disease. Therefore, it has been classified as a Variant of Uncertain Significance.

Color Diagnostics, LLC DBA Color Health
Classification: Uncertain significance for Cardiomyopathy. Last evaluated: 2024-03-07. Review status: criteria provided, single submitter. Criteria: ACMG Guidelines, 2015. Collection method: clinical testing. Allele origin: germline.
Comment: This missense variant replaces glycine with alanine at codon 253 of the PKP2 protein. Computational prediction suggests that this variant may not impact protein structure and function (internally defined REVEL score threshold <= 0.5, PMID: 27666373). To our knowledge, functional studies have not been reported for this variant. This variant has not been reported in individuals affected with PKP2-related disorders in the literature. This variant has not been identified in the general population by the Genome Aggregation Database (gnomAD). The available evidence is insufficient to determine the role of this variant in disease conclusively. Therefore, this variant is classified as a Variant of Uncertain Significance.

All of Us Research Program, National Institutes of Health
Classification: Uncertain significance for Arrhythmogenic right ventricular cardiomyopathy. Last evaluated: 2023-08-15. Review status: criteria provided, single submitter. Criteria: ACMG Guidelines, 2015. Collection method: clinical testing. Allele origin: germline. Inheritance: Autosomal dominant inheritance. Observed: 1 variant allele, 1 heterozygote.
Comment: This missense variant replaces glycine with alanine at codon 253 of the PKP2 protein. Computational prediction tools and conservation analyses are inconclusive regarding the impact of this variant on the protein function. Computational splicing tools suggest that this variant may not impact RNA splicing. To our knowledge, functional assays have not been performed for this variant nor has this variant been reported in individuals affected with cardiovascular disorders in the literature. This variant has not been identified in the general population by the Genome Aggregation Database (gnomAD). Available evidence is insufficient to determine the role of this variant in disease conclusively. Therefore, this variant is classified as a Variant of Uncertain Significance.

This study involves interpretation of variants in research participants for the purpose of population health screening. Participant phenotype was not available at the time of variant classification. Additional details can be found in publication PMID: 35346344, PMCID: PMC8962531